The following is an entry in ClinVar:

ClinVar aggregate classification (germline): Likely benign (1 of 4 stars; one submission).

Submission:

CeGaT Center for Human Genetics Tuebingen
Classification: Likely benign. Last evaluated: 2023-05-01. Review status: criteria provided, single submitter. Criteria: CeGaT Center For Human Genetics Tuebingen Variant Classification Criteria Version 2. Collection method: clinical testing. Allele origin: germline. Affected: yes. Observed: 1 variant allele.
Comment: MYT1L: PM2:Supporting, BP4, BP7

NM_001303052.2(MYT1L):c.1296C>G (p.Thr432=)

Gene: MYT1L (myelin transcription factor 1 like; minus strand). Cytogenetic location: 2p25.3.
Variant type: single nucleotide variant.
Coding change: c.1296C>G on transcript NM_001303052.2 (MANE Select); coding-DNA position 1296, C replaced by G.
Protein change: p.Thr432=; no amino-acid change (threonine 432 retained).
Molecular consequence: synonymous variant.
Genome position (GRCh38, 1-based): chr2:1,922,473, G>C on the plus strand (C>G on the coding strand, the complement: MYT1L is on the minus strand). VCF-style: chr2-1922473-G-C. GRCh37 (hg19) VCF-style: chr2-1926245-G-C.
Other names: c.1296C>G, p.Thr432= (NM_001329844.2, NM_001329845.1, NM_001329846.3 and 6 more transcripts).
Identifiers: ClinVar variation 2650628 (VCV002650628.24), dbSNP rs747798091, ClinGen allele CA424758334.